The following is an entry in ClinVar:

ClinVar aggregate classification (germline): Pathogenic/Likely pathogenic. Review status: criteria provided, multiple submitters, no conflicts (2 of 4 stars). 7 submissions from 7 submitters: Pathogenic (3); Likely pathogenic (4). Last evaluated 2025-09-14.

Conditions:
Connective tissue disorder. Also called: Connective tissue disease. Identifiers: MedGen C0009782, MONDO:0003900.
Aneurysm-osteoarthritis syndrome. Also called: ANEURYSMS-OSTEOARTHRITIS SYNDROME; LOEYS-DIETZ SYNDROME WITH OSTEOARTHRITIS; SMAD3-Related Loeys-Dietz Syndrome; Loeys-Dietz syndrome, type 1C. Identifiers: Orphanet 284984, MedGen C3151087, MONDO:0013426, OMIM 613795.
Familial thoracic aortic aneurysm and aortic dissection (TAAD). Also called: Thoracic aortic aneurysms and dissections. Identifiers: Orphanet 91387, MedGen C4707243, MONDO:0019625.

Submissions (7):

Labcorp Genetics (formerly Invitae), Labcorp
Classification: Pathogenic for Familial thoracic aortic aneurysm and aortic dissection. Last evaluated: 2025-09-14. Review status: criteria provided, single submitter. Criteria: Invitae Variant Classification Sherloc (09022015). Collection method: clinical testing. Allele origin: germline.
Comment: This sequence change replaces arginine, which is basic and polar, with glutamine, which is neutral and polar, at codon 287 of the SMAD3 protein (p.Arg287Gln). This variant is not present in population databases (gnomAD no frequency). This missense change has been observed in individuals with SMAD3-related conditions (PMID: 24804794, 30661052, 31085000). ClinVar contains an entry for this variant (Variation ID: 180524). Invitae Evidence Modeling incorporating data from in vitro experimental studies (internal data) indicates that this missense variant is expected to disrupt SMAD3 function with a positive predictive value of 95%. This variant disrupts the p.Arg287 amino acid residue in SMAD3. Other variant(s) that disrupt this residue have been determined to be pathogenic (PMID: 21217753, 25644172; internal data). This suggests that this residue is clinically significant, and that variants that disrupt this residue are likely to be disease-causing. For these reasons, this variant has been classified as Pathogenic.

Ambry Genetics
Classification: Likely pathogenic for Familial thoracic aortic aneurysm and aortic dissection. Last evaluated: 2025-07-07. Review status: criteria provided, single submitter. Criteria: Ambry Variant Classification Scheme 2023. Collection method: clinical testing. Allele origin: germline.
Comment: The p.R287Q variant (also known as c.860G>A), located in coding exon 6 of the SMAD3 gene, results from a G to A substitution at nucleotide position 860. The arginine at codon 287 is replaced by glutamine, an amino acid with highly similar properties. This variant was reported in individual(s) with Loeys-Dietz syndrome or thoracic aortic aneurysm and dissection, though several papers lacked patient-specific details, and cohort overlap cannot be ruled out (Aubart M et al. PLoS One, 2014 May;9:e96387; Arnaud P et al. Genet Med, 2019 Sep;21:2015-2024; Hostetler EM et al. J Med Genet, 2019 Apr;56:252-260; Solomonica A et al. Am J Cardiol, 2019 Jul;124:313-315; Velchev JD et al. Stem Cell Res, 2022 Oct;64:102932; Ambry internal data). In addition, this variant was determined to be de novo in a fetus with agnathia-otocephaly, which authors speculated may represent the severe end of the disease spectrum (Meier N et al. Mol Genet Genomic Med, 2020 Apr;8:e1178). This missense alteration is located in a region that has a low rate of benign missense variation (Lek M et al. Nature. 2016 Aug 18;536(7616):285-91; DECIPHER: Database of Chromosomal Imbalance and Phenotype in Humans using Ensembl Resources. Firth H.V. et al. 2009. Am.J.Hum.Genet. 84, 524-533 (DOI)). This amino acid position is highly conserved in available vertebrate species. In addition, this alteration is predicted to be deleterious by in silico analysis. This variant is considered to be rare based on population cohorts in the Genome Aggregation Database (gnomAD). Based on the majority of available evidence to date, this variant is likely to be pathogenic.

GeneDx
Classification: Pathogenic. Last evaluated: 2022-01-24. Review status: criteria provided, single submitter. Criteria: GeneDx Variant Classification Process June 2021. Collection method: clinical testing. Allele origin: germline. Affected: yes.
Comment: Not observed at significant frequency in large population cohorts (gnomAD); Published functional studies demonstrated that p.(R287Q) resulted in 44% and 20% lower SMAD3 expression in both kidney and liver respectively, compared to the control (Meier et al., 2020); In silico analysis supports that this missense variant has a deleterious effect on protein structure/function; This variant is associated with the following publications: (PMID: 28185953, 32100971, 30661052, 26221609, 31085000, 30679815, 24804794)

Institute of Medical Genetics and Applied Genomics, University Hospital Tübingen
Classification: Likely pathogenic. Last evaluated: 2020-10-23. Review status: criteria provided, single submitter. Criteria: ACMG Guidelines, 2015. Collection method: clinical testing. Allele origin: germline. Inheritance: Unknown mechanism. Affected: yes.

CHEO Genetics Diagnostic Laboratory, Children's Hospital of Eastern Ontario
Classification: Likely pathogenic for Familial thoracic aortic aneurysm and aortic dissection. Last evaluated: 2020-07-02. Review status: criteria provided, single submitter. Criteria: ACMG Guidelines, 2015. Collection method: clinical testing. Allele origin: germline.

Centre for Mendelian Genomics, University Medical Centre Ljubljana
Classification: Likely pathogenic for Aneurysm-osteoarthritis syndrome. Last evaluated: 2019-09-05. Review status: criteria provided, single submitter. Criteria: ACMG Guidelines, 2015. Collection method: clinical testing. Allele origin: unknown. Affected: yes.
Comment: This variant was classified as: Likely pathogenic. The following ACMG criteria were applied in classifying this variant: PM1,PM2,PM5,PP3.

Center for Human Genetics, Inc
Classification: Pathogenic for Connective tissue disorder. Last evaluated: 2016-11-01. Review status: criteria provided, single submitter. Criteria: ACMG Guidelines, 2015. Collection method: clinical testing. Allele origin: germline. Affected: yes.

Literature cited by the submitters: PubMed 24804794 (cited by Labcorp Genetics (formerly Invitae), Labcorp and Ambry Genetics); PubMed 30661052 (cited by Labcorp Genetics (formerly Invitae), Labcorp and Ambry Genetics); PubMed 31085000 (cited by Labcorp Genetics (formerly Invitae), Labcorp and Ambry Genetics); PubMed 21217753 (cited by Labcorp Genetics (formerly Invitae), Labcorp); PubMed 25644172 (cited by Labcorp Genetics (formerly Invitae), Labcorp); PubMed 30739908 (cited by Ambry Genetics); PubMed 32100971 (cited by Ambry Genetics); PubMed 36219981 (cited by Ambry Genetics).

NM_005902.4(SMAD3):c.860G>A (p.Arg287Gln)

Gene: SMAD3 (SMAD family member 3; plus strand). Cytogenetic location: 15q22.33.
Variant type: single nucleotide variant.
Coding change: c.860G>A on transcript NM_005902.4 (MANE Select); coding-DNA position 860, G replaced by A.
Protein change: p.Arg287Gln; replaces arginine 287 with glutamine.
Molecular consequence: missense variant.
Genome position (GRCh38, 1-based): chr15:67,181,442, G>A. VCF-style: chr15-67181442-G-A. GRCh37 (hg19) VCF-style: chr15-67473780-G-A.
Other names: p.R287Q:CGG>CAG; c.545G>A, p.Arg182Gln (NM_001145102.2); c.728G>A, p.Arg243Gln (NM_001145103.2); c.275G>A, p.Arg92Gln (NM_001145104.2); short protein forms R287Q, R182Q, R243Q, R92Q.
Identifiers: ClinVar variation 180524 (VCV000180524.17), dbSNP rs730880214, ClinGen allele CA020135.
Genomic context (GRCh38, chr15:67,181,442, plus strand): 5'-AGCGCTTCTGCCTAGGGCTGCTCTCCAATGTCAACAGGAATGCAGCAGTGGAGCTGACAC[G>A]GAGACACATCGGTATGGGGTGGCTCCATTCCCCGCCCCCCCACCCTGCCCCTGCCACTCT-3'
Protein context (NP_005893.1, residues 277-297): VNRNAAVELT[Arg287Gln]RHIGRGVRLY